The following is an entry in ClinVar:

ClinVar aggregate classification (germline): Likely benign (1 of 4 stars; one submission).

Conditions:
MITF-related disorder. Also called: MITF-related condition.

Submission:

PreventionGenetics, part of Exact Sciences
Classification: Likely benign for MITF-related condition. Last evaluated: 2026-01-09. Review status: criteria provided, single submitter. Criteria: ACMG Guidelines, 2015. Collection method: clinical testing. Allele origin: germline.
Comment: This variant is classified as likely benign based on ACMG/AMP sequence variant interpretation guidelines (Richards et al. 2015 PMID: 25741868, with internal and published modifications).

NM_001354604.2(MITF):c.285A>T (p.Thr95=)

Gene: MITF (melanocyte inducing transcription factor; plus strand). Cytogenetic location: 3p13.
Variant type: single nucleotide variant.
Coding change: c.285A>T on transcript NM_001354604.2 (MANE Select); coding-DNA position 285, A replaced by T.
Protein change: p.Thr95=; no amino-acid change (threonine 95 retained).
Molecular consequence: synonymous variant.
Genome position (GRCh38, 1-based): chr3:69,879,314, A>T. VCF-style: chr3-69879314-A-T. GRCh37 (hg19) VCF-style: chr3-69928465-A-T.
Other names: c.129A>T, p.Thr43= (NM_001184967.2, NM_001354608.2); c.282A>T, p.Thr94= (NM_001354605.2, NM_001354606.2, NM_006722.3); c.234A>T, p.Thr78= (NM_001354607.2); c.285A>T, p.Thr95= (NM_198159.3); c.237A>T, p.Thr79= (NM_198177.3).
Identifiers: ClinVar variation 4984732 (VCV004984732.1).